The following is an entry in ClinVar:

ClinVar aggregate classification (germline): Uncertain significance. Review status: criteria provided, multiple submitters, no conflicts (2 of 4 stars). 2 submissions from 2 submitters: Uncertain significance (2). Last evaluated 2025-01-03.

Conditions:
NUP107-related disorder. Also called: NUP107-related condition.

Allele frequency attached by ClinVar (database versions not stated): TOPMed below 0.00001.

Submissions (2):

PreventionGenetics, part of Exact Sciences
Classification: Uncertain significance for NUP107-related condition. Last evaluated: 2025-01-03. Review status: criteria provided, single submitter. Criteria: ACMG Guidelines, 2015. Collection method: clinical testing. Allele origin: germline.
Comment: The NUP107 c.2219A>G variant is predicted to result in the amino acid substitution p.Asp740Gly. To our knowledge, this variant has not been reported in the literature or in a large population database (gnomAD), indicating this variant is rare. At this time, the clinical significance of this variant is uncertain due to the absence of conclusive functional and genetic evidence.

GeneDx
Classification: Uncertain significance. Last evaluated: 2023-03-16. Review status: criteria provided, single submitter. Criteria: GeneDx Variant Classification Process June 2021. Collection method: clinical testing. Allele origin: germline. Affected: yes.
Comment: Not observed at significant frequency in large population cohorts (gnomAD); In silico analysis supports that this missense variant has a deleterious effect on protein structure/function; Has not been previously published as pathogenic or benign to our knowledge

NM_020401.4(NUP107):c.2219A>G (p.Asp740Gly)

Gene: NUP107 (nucleoporin 107; plus strand). Cytogenetic location: 12q15.
Variant type: single nucleotide variant.
Coding change: c.2219A>G on transcript NM_020401.4 (MANE Select); coding-DNA position 2219, A replaced by G.
Protein change: p.Asp740Gly; replaces aspartic acid 740 with glycine.
Molecular consequence: missense variant.
Genome position (GRCh38, 1-based): chr12:68,733,569, A>G. VCF-style: chr12-68733569-A-G. GRCh37 (hg19) VCF-style: chr12-69127349-A-G.
Other names: c.2132A>G, p.Asp711Gly (NM_001330192.2); c.2219A>G (NM_020401.3); short protein forms D711G, D740G.
Identifiers: ClinVar variation 2579980 (VCV002579980.2), dbSNP rs1877936166, ClinGen allele CA385698805.